The following is an entry in ClinVar:

ClinVar aggregate classification (germline): Benign. Review status: criteria provided, multiple submitters, no conflicts (2 of 4 stars). 5 submissions from 5 submitters: Benign (4). 1 of the submissions does not count toward it. Last evaluated 2022-03-15.

Conditions:
TNC-related disorder. Also called: TNC-related condition.
Autosomal dominant nonsyndromic hearing loss 56. Also called: Deafness, autosomal dominant 56. Identifiers: Orphanet 90635, MedGen C3810170, MONDO:0014283, OMIM 615629.

Allele frequency attached by ClinVar (database versions not stated): gnomAD exomes 0.00165 and 0.00452; 1000 Genomes Project 0.01717; gnomAD 0.01898 and 0.01740; ExAC 0.00569; 1000 Genomes Project 30x 0.01796; TOPMed 0.01948; ESP Exome Variant Server 0.02107.
gnomAD v4.1: 5,183 of 1,614,066 alleles (0.32%); highest among the groups gnomAD compares: African/African-American, 6.2%; 153 homozygotes.

Submissions (5):

Genome-Nilou Lab
Classification: Benign for Autosomal dominant nonsyndromic hearing loss 56. Last evaluated: 2022-03-15. Review status: criteria provided, single submitter. Criteria: ACMG Guidelines, 2015. Collection method: clinical testing. Allele origin: germline. Affected: no.

Labcorp Genetics (formerly Invitae), Labcorp
Classification: Benign. Last evaluated: 2019-12-31. Review status: criteria provided, single submitter. Criteria: Invitae Variant Classification Sherloc (09022015). Collection method: clinical testing. Allele origin: germline.

GeneDx
Classification: Benign. Last evaluated: 2019-01-25. Review status: criteria provided, single submitter. Criteria: GeneDx Variant Classification Process June 2021. Collection method: clinical testing. Allele origin: germline. Affected: yes.

Breakthrough Genomics
Classification: Benign. Review status: criteria provided, single submitter. Criteria: ACMG Guidelines, 2015. Collection method: not provided. Allele origin: germline. Inheritance: Autosomal dominant inheritance. Affected: yes.

PreventionGenetics, part of Exact Sciences
Classification: Benign for TNC-related condition. Last evaluated: 2020-01-28. Review status: no assertion criteria provided. Collection method: clinical testing. Allele origin: germline. Not counted in ClinVar's aggregate classification.
Comment: This variant is classified as benign based on ACMG/AMP sequence variant interpretation guidelines (Richards et al. 2015 PMID: 25741868, with internal and published modifications).

NM_002160.4(TNC):c.2207A>G (p.Asp736Gly)

Gene: TNC (tenascin C; minus strand). Cytogenetic location: 9q33.1.
Variant type: single nucleotide variant.
Coding change: c.2207A>G on transcript NM_002160.4 (MANE Select); coding-DNA position 2207, A replaced by G.
Protein change: p.Asp736Gly; replaces aspartic acid 736 with glycine.
Molecular consequence: missense variant.
Genome position (GRCh38, 1-based): chr9:115,082,732, T>C on the plus strand (A>G on the coding strand, the complement: TNC is on the minus strand). VCF-style: chr9-115082732-T-C. GRCh37 (hg19) VCF-style: chr9-117845011-T-C.
Other names: short protein forms D736G.
Identifiers: ClinVar variation 784151 (VCV000784151.10), dbSNP rs61735551, ClinGen allele CA5208597.